The following is an entry in ClinVar:

ClinVar aggregate classification (germline): Likely benign (0 of 4 stars; one submission).

Conditions:
NAGPA-related disorder. Also called: NAGPA-related condition.

Allele frequency attached by ClinVar (database versions not stated): gnomAD exomes below 0.00001; gnomAD 0.00001; TOPMed 0.00001.

Submission:

PreventionGenetics, part of Exact Sciences
Classification: Likely benign for NAGPA-related condition. Last evaluated: 2019-08-12. Review status: no assertion criteria provided. Collection method: clinical testing. Allele origin: germline.
Comment: This variant is classified as likely benign based on ACMG/AMP sequence variant interpretation guidelines (Richards et al. 2015 PMID: 25741868, with internal and published modifications).

NM_016256.4(NAGPA):c.1476G>A (p.Gln492=)

Genes: NAGPA (N-acetylglucosamine-1-phosphodiester alpha-N-acetylglucosaminidase; minus strand), LOC125146393 (Sharpr-MPRA regulatory region 11332; plus strand). Cytogenetic location: 16p13.3.
Variant type: single nucleotide variant.
Coding change: c.1476G>A on transcript NM_016256.4 (MANE Select); coding-DNA position 1476, G replaced by A.
Protein change: p.Gln492=; no amino-acid change (glutamine 492 retained).
Molecular consequence: synonymous variant.
Genome position (GRCh38, 1-based): chr16:5,025,550, C>T on the plus strand (G>A on the coding strand, the complement: NAGPA is on the minus strand). VCF-style: chr16-5025550-C-T. GRCh37 (hg19) VCF-style: chr16-5075551-C-T.
Identifiers: ClinVar variation 3035756 (VCV003035756.2), dbSNP rs1413137050, ClinGen allele CA493328899.
Genomic context (GRCh38, chr16:5,025,550, plus strand): 5'-GGGGTTGTGGGCGCCCCCTGGCTGCTCCTTCTCTGCGGCCAGAGGCTCCCCGTTCATCTC[C>T]TGCAGCGGGTGGTATGCATAGTCCCCATGCAGGCGCCGGTTCCTCTCTGCTCTGGACAGG-3'
Protein context (NP_057340.2, residues 482-502): LHGDYAYHPL[Gln492=]EMNGEPLAAE